The following is an entry in ClinVar:

NM_032243.6(TXNDC2):c.807C>T (p.Ala269=)

Gene: TXNDC2 (thioredoxin domain containing 2; plus strand). Cytogenetic location: 18p11.22.
Variant type: single nucleotide variant.
Coding change: c.807C>T on transcript NM_032243.6 (MANE Select); coding-DNA position 807, C replaced by T.
Protein change: p.Ala269=; no amino-acid change (alanine 269 retained).
Molecular consequence: synonymous variant.
Genome position (GRCh38, 1-based): chr18:9,887,487, C>T. VCF-style: chr18-9887487-C-T. GRCh37 (hg19) VCF-style: chr18-9887484-C-T.
Other names: c.1008C>T, p.Ala336= (NM_001098529.2); c.807C>T, p.Ala269= (NM_001098530.1).
Identifiers: ClinVar variation 3024834 (VCV003024834.22), dbSNP rs373083561, ClinGen allele CA8890418.

ClinVar aggregate classification (germline): Likely benign (1 of 4 stars; one submission).

Allele frequency attached by ClinVar (database versions not stated): gnomAD exomes below 0.00001; ExAC 0.00001.
gnomAD v4.1: 3 of 1,526,568 alleles (0.0002%); highest among the groups gnomAD compares: Non-Finnish European, 0.00018%; no homozygotes.

Submission:

CeGaT Center for Human Genetics Tuebingen
Classification: Likely benign. Last evaluated: 2026-06-01. Review status: criteria provided, single submitter. Criteria: CeGaT Center For Human Genetics Tuebingen Variant Classification Criteria Version 2. Collection method: clinical testing. Allele origin: germline. Affected: yes. Observed: 12 variant alleles.
Comment: TXNDC2: BP4, BP7